The following is an entry in ClinVar:

ClinVar aggregate classification (germline): Likely benign. Review status: criteria provided, multiple submitters, no conflicts (2 of 4 stars). 2 submissions from 2 submitters: Likely benign (2). Last evaluated 2025-10-31.

Conditions:
Inborn genetic diseases. Identifiers: MedGen C0950123, MeSH D030342.
POGZ-related disorder. Also called: POGZ-related condition.

gnomAD v4.1: 50 of 1,614,012 alleles (0.0031%); highest among the groups gnomAD compares: Middle Eastern, 0.016%; no homozygotes.

Submissions (2):

PreventionGenetics, part of Exact Sciences
Classification: Likely benign for POGZ-related condition. Last evaluated: 2025-10-31. Review status: criteria provided, single submitter. Criteria: ACMG Guidelines, 2015. Collection method: clinical testing. Allele origin: germline.
Comment: This variant is classified as likely benign based on ACMG/AMP sequence variant interpretation guidelines (Richards et al. 2015 PMID: 25741868, with internal and published modifications).

Ambry Genetics
Classification: Likely benign for Inborn genetic diseases. Last evaluated: 2025-09-28. Review status: criteria provided, single submitter. Criteria: Ambry Variant Classification Scheme 2023. Collection method: clinical testing. Allele origin: germline.

NM_015100.4(POGZ):c.3352C>T (p.Pro1118Ser)

Gene: POGZ (pogo transposable element derived with ZNF domain; minus strand). Cytogenetic location: 1q21.3.
Variant type: single nucleotide variant.
Coding change: c.3352C>T on transcript NM_015100.4 (MANE Select); coding-DNA position 3352, C replaced by T.
Protein change: p.Pro1118Ser; replaces proline 1118 with serine.
Molecular consequence: missense variant.
Genome position (GRCh38, 1-based): chr1:151,405,683, G>A on the plus strand (C>T on the coding strand, the complement: POGZ is on the minus strand). VCF-style: chr1-151405683-G-A. GRCh37 (hg19) VCF-style: chr1-151378159-G-A.
Other names: c.3325C>T, p.Pro1109Ser (NM_001194937.2); c.3166C>T, p.Pro1056Ser (NM_001194938.2); c.3373C>T, p.Pro1125Ser (NM_001410860.1); c.3067C>T, p.Pro1023Ser (NM_145796.4); c.3193C>T, p.Pro1065Ser (NM_207171.2); short protein forms P1065S, P1109S, P1118S, P1125S, P1056S, P1023S.
Identifiers: ClinVar variation 4628118 (VCV004628118.2).